The following is an entry in ClinVar:

NM_181882.3(PRX):c.707T>C (p.Leu236Pro)

Gene: PRX (periaxin; minus strand). Cytogenetic location: 19q13.2.
Variant type: single nucleotide variant.
Coding change: c.707T>C on transcript NM_181882.3 (MANE Select); coding-DNA position 707, T replaced by C.
Protein change: p.Leu236Pro; replaces leucine 236 with proline.
Molecular consequence: missense variant. On other transcripts: 3 prime UTR variant (1).
Genome position (GRCh38, 1-based): chr19:40,397,645, A>G on the plus strand (T>C on the coding strand, the complement: PRX is on the minus strand). VCF-style: chr19-40397645-A-G. GRCh37 (hg19) VCF-style: chr19-40903552-A-G.
Other names: c.*912T>C (NM_020956.2); short protein forms L236P.
Identifiers: ClinVar variation 234825 (VCV000234825.5), dbSNP rs876661240, ClinGen allele CA10577605.

ClinVar aggregate classification (germline): Uncertain significance. Review status: criteria provided, multiple submitters, no conflicts (2 of 4 stars). 4 submissions from 4 submitters: Uncertain significance (4). Last evaluated 2023-12-06.

Conditions:
Charcot-Marie-Tooth disease type 4. Also called: Charcot-Marie-Tooth disease, type IV; Charcot-Marie-Tooth, Type 4. Identifiers: Orphanet 64749, MedGen C4082197, MONDO:0018995.
Inborn genetic diseases. Identifiers: MedGen C0950123, MeSH D030342.

Allele frequency attached by ClinVar (database versions not stated): TOPMed below 0.00001; gnomAD 0.00001; gnomAD exomes 0.00001.
gnomAD v4.1: 19 of 1,547,142 alleles (0.0012%); highest among the groups gnomAD compares: Admixed American, 0.0019%; no homozygotes.

Submissions (4):

Ambry Genetics
Classification: Uncertain significance for Inborn genetic diseases. Last evaluated: 2023-12-06. Review status: criteria provided, single submitter. Criteria: Ambry Variant Classification Scheme 2023. Collection method: clinical testing. Allele origin: germline.

Athena Diagnostics
Classification: Uncertain significance. Last evaluated: 2022-09-26. Review status: criteria provided, single submitter. Criteria: Athena Diagnostics Criteria. Collection method: clinical testing. Allele origin: unknown.
Comment: Available data are insufficient to determine the clinical significance of the variant at this time. The frequency of this variant in the general population is uninformative in assessment of its pathogenicity. Computational tools predict that this variant is not damaging.

Labcorp Genetics (formerly Invitae), Labcorp
Classification: Uncertain significance for Charcot-Marie-Tooth disease type 4. Last evaluated: 2022-03-20. Review status: criteria provided, single submitter. Criteria: Invitae Variant Classification Sherloc (09022015). Collection method: clinical testing. Allele origin: germline.
Comment: This sequence change replaces leucine, which is neutral and non-polar, with proline, which is neutral and non-polar, at codon 236 of the PRX protein (p.Leu236Pro). The frequency data for this variant in the population databases is considered unreliable, as metrics indicate poor data quality at this position in the gnomAD database. This variant has not been reported in the literature in individuals affected with PRX-related conditions. ClinVar contains an entry for this variant (Variation ID: 234825). Algorithms developed to predict the effect of missense changes on protein structure and function are either unavailable or do not agree on the potential impact of this missense change (SIFT: "Deleterious"; PolyPhen-2: "Possibly Damaging"; Align-GVGD: "Class C0"). In summary, the available evidence is currently insufficient to determine the role of this variant in disease. Therefore, it has been classified as a Variant of Uncertain Significance.

GeneDx
Classification: Uncertain significance. Last evaluated: 2016-02-21. Review status: criteria provided, single submitter. Criteria: GeneDx Variant Classification (06012015). Collection method: clinical testing. Allele origin: germline. Affected: yes.
Comment: The L236P variant in the PRX gene has not been reported previously as a pathogenic variant, nor as a benign variant, to our knowledge. The L236P variant was not observed in approximately 5,500 individuals of European and African American ancestry in the NHLBI Exome Sequencing Project, indicating it is not a common benign variant in these populations. The L236P variant is a semi-conservative amino acid substitution, which may impact secondary protein structure as these residues differ in some properties. Although this substitution occurs at a position that is conserved in mammals, in silico analysis is inconsistent in its predictions as to whether or not the variant is damaging to the protein structure/function. We interpret L236P as a variant of uncertain significance.